The following is an entry in ClinVar:

ClinVar aggregate classification (germline): Benign. Review status: criteria provided, multiple submitters, no conflicts (2 of 4 stars). 4 submissions from 4 submitters: Benign (3). 1 of the submissions does not count toward it. Last evaluated 2025-11-09.

Conditions:
KISS1R-related disorder. Also called: KISS1R-related condition.

Allele frequency attached by ClinVar (database versions not stated): ExAC 0.00217; ESP Exome Variant Server 0.00362; gnomAD 0.00428 and 0.00451; 1000 Genomes Project 30x 0.00437; TOPMed 0.00460; 1000 Genomes Project 0.00499.

Submissions (4):

Labcorp Genetics (formerly Invitae), Labcorp
Classification: Benign. Last evaluated: 2025-11-09. Review status: criteria provided, single submitter. Criteria: Invitae Variant Classification Sherloc (09022015). Collection method: clinical testing. Allele origin: germline.

GeneDx
Classification: Benign. Last evaluated: 2020-07-13. Review status: criteria provided, single submitter. Criteria: GeneDx Variant Classification Process June 2021. Collection method: clinical testing. Allele origin: germline. Affected: yes.

Breakthrough Genomics
Classification: Benign. Review status: criteria provided, single submitter. Criteria: ACMG Guidelines, 2015. Collection method: not provided. Allele origin: germline. Inheritance: Autosomal recessive inheritance. Affected: yes.

PreventionGenetics, part of Exact Sciences
Classification: Benign for KISS1R-related condition. Last evaluated: 2019-07-01. Review status: no assertion criteria provided. Collection method: clinical testing. Allele origin: germline. Not counted in ClinVar's aggregate classification.
Comment: This variant is classified as benign based on ACMG/AMP sequence variant interpretation guidelines (Richards et al. 2015 PMID: 25741868, with internal and published modifications).

NM_032551.5(KISS1R):c.333C>T (p.Gly111=)

Gene: KISS1R (KISS1 receptor; plus strand). Cytogenetic location: 19p13.3.
Variant type: single nucleotide variant.
Coding change: c.333C>T on transcript NM_032551.5 (MANE Select); coding-DNA position 333, C replaced by T.
Protein change: p.Gly111=; no amino-acid change (glycine 111 retained).
Molecular consequence: synonymous variant.
Genome position (GRCh38, 1-based): chr19:918,632, C>T. VCF-style: chr19-918632-C-T. GRCh37 (hg19) VCF-style: chr19-918632-C-T.
Identifiers: ClinVar variation 516138 (VCV000516138.14), dbSNP rs142810073, ClinGen allele CA9028752.
Genomic context (GRCh38, chr19:918,632, plus strand): 5'-CCTCCTGTGCTGCGTCCCCTTCACGGCCCTGCTGTACCCGCTGCCCGGCTGGGTGCTGGG[C>T]GACTTCATGTGCAAGTTCGTCAACTACATCCAGCAGGTGCGCTCCGGAGCAGGAGGGGAG-3'
Protein context (NP_115940.2, residues 101-121): LLYPLPGWVL[Gly111=]DFMCKFVNYI